The following continues an entry in ClinVar:

NM_001267550.2(TTN):c.104413C>T (p.Arg34805Ter)

ClinVar aggregate classification (germline): Pathogenic/Likely pathogenic. Pathogenic (6); Likely pathogenic (5).

Submissions 6 to 11 of 11:

Ambry Genetics
Classification: Likely pathogenic for Cardiovascular phenotype. Last evaluated: 2025-07-01. Review status: criteria provided, single submitter. Criteria: Ambry Variant Classification Scheme 2023. Collection method: clinical testing. Allele origin: germline.
Comment: The p.R25740* variant (also known as c.77218C>T), located in coding exon 185 of the TTN gene, results from a C to T substitution at nucleotide position 77218. This changes the amino acid from an arginine to a stop codon within coding exon 185. This exon is located in the M-band region of the N2-B isoform of the titin protein and is constitutively expressed in TTN transcripts (percent spliced in or PSI 100%). This variant (also referred to as NM_001267550.1:c.104413C>T, p.R34805*) was reported in individual(s) with features consistent with dilated cardiomyopathy (Marschall C et al. Cardiovasc Diagn Ther, 2019 Oct;9:S292-S298; Bourfiss M et al. Circ Genom Precis Med, 2022 Dec;15:e003704). This variant (also referred to as NM_133378.4:c.96709C>T, p.Arg32237*) has been identified in conjunction with other TTN variant(s) in a case with arthrogryposis multiplex congenita and in a case with intrauterine growth restriction, joint displacement, polyhydramnios, nuchal edema, and lung hypoplasia (Laquerriere A et al. J Med Genet, 2022 Jun;59:559-567; Gabriel H et al. Prenat Diagn, 2022 Jun;42:845-851). This variant is expected to result in loss of function by premature protein truncation or nonsense-mediated mRNA decay. While truncating variants in TTN are present in 1-3% of the general population, truncating variants in the M-band have been reported in association with autosomal recessive titinopathies, primarily presenting with skeletal myopathy phenotypes (Ceyhan-Birsoy O et al. Neurology. 2013 Oct 1;81(14):1205-14; De Cid R et al. Neurology. 2015;85(24):2126-35). Truncating variants in coding exon 185 of the M-band of the N2-B isoform have also been specifically associated with autosomal dominant dilated cardiomyopathy (Vatta M et al. Circ GenomPrecis Med. 2025 Feb:e004982). More generally, TTN truncating variants encoded in constitutive exons (PSI >90%) have been found to be significantly associated with dilated cardiomyopathy (DCM) regardless of their position, although truncating variants in the A-band are the most common cause of DCM (Herman DS et al. N. Engl. J. Med., 2012 Feb;366:619-28; Roberts AM et al. Sci Transl Med, 2015 Jan;7:270ra6; Schafer S et al. Nat. Genet., 2017 01;49:46-53; Akhtar MM et al. Circ Heart Fail, 2020 Oct;13:e006832; Massier M et al. Clin Genet, 2025 Jan). Based on the majority of available evidence to date, this variant is likely to be pathogenic.

Revvity Omics, Revvity
Classification: Pathogenic. Last evaluated: 2025-01-24. Review status: criteria provided, single submitter. Criteria: ACMG Guidelines, 2015. Collection method: clinical testing. Allele origin: germline.

GeneDx
Classification: Likely pathogenic. Last evaluated: 2024-03-14. Review status: criteria provided, single submitter. Criteria: GeneDx Variant Classification Process June 2021. Collection method: clinical testing. Allele origin: germline. Affected: yes.
Comment: Nonsense variant predicted to result in protein truncation or nonsense mediated decay in a gene for which loss of function is a known mechanism of disease; Located in the M-line region of TTN in which the majority of loss of function variants have been associated with autosomal recessive titinopathies (PMID: 17444505); Observed in an individual with dilated cardiomyopathy; however, it is unclear whether the variant was observed independently or in conjunction with another TTN variant (PMID: 31737537); Not observed at significant frequency in large population cohorts (gnomAD); This variant is associated with the following publications: (PMID: 34958143, 33820833, 17444505, 31737537)

Blueprint Genetics
Classification: Likely pathogenic for TTN-related disorders. Last evaluated: 2023-08-03. Review status: criteria provided, single submitter. Criteria: ACMG Guidelines, 2015. Collection method: clinical testing. Allele origin: germline. Affected: yes. Observed: 1 variant allele.

CeGaT Center for Human Genetics Tuebingen
Classification: Pathogenic. Last evaluated: 2020-06-01. Review status: criteria provided, single submitter. Criteria: CeGaT Center For Human Genetics Tuebingen Variant Classification Criteria Version 2. Collection method: clinical testing. Allele origin: germline. Affected: yes. Observed: 1 variant allele.

Eurofins Ntd Llc (ga)
Classification: Likely pathogenic. Last evaluated: 2016-09-05. Review status: criteria provided, single submitter. Criteria: EGL Classification Definitions 2015. Collection method: clinical testing. Allele origin: germline. Observed: 1 variant allele, 1 heterozygote.

Literature cited by the submitters: PubMed 34958143 (cited by 3 submitters); PubMed 25589632 (cited by Victorian Clinical Genetics Services, Murdoch Childrens Research Institute and Labcorp Genetics (formerly Invitae), Labcorp); PubMed 28214268 (cited by Victorian Clinical Genetics Services, Murdoch Childrens Research Institute); PubMed 39968638 (cited by Dasa); PubMed 31737537 (cited by Labcorp Genetics (formerly Invitae), Labcorp and Ambry Genetics); PubMed 33820833 (cited by Labcorp Genetics (formerly Invitae), Labcorp and Ambry Genetics); PubMed 36264615 (cited by Labcorp Genetics (formerly Invitae), Labcorp and Ambry Genetics); PubMed 36977548 (cited by Labcorp Genetics (formerly Invitae), Labcorp); PubMed 18948003 (cited by Labcorp Genetics (formerly Invitae), Labcorp); PubMed 23975875 (cited by Labcorp Genetics (formerly Invitae), Labcorp); PubMed 24395473 (cited by Labcorp Genetics (formerly Invitae), Labcorp); PubMed 27869827 (cited by Labcorp Genetics (formerly Invitae), Labcorp); PubMed 32964742 (cited by Labcorp Genetics (formerly Invitae), Labcorp).